The following is an entry in ClinVar:

ClinVar aggregate classification (germline): Uncertain significance. Review status: criteria provided, multiple submitters, no conflicts (2 of 4 stars). 2 submissions from 2 submitters: Uncertain significance (2). Last evaluated 2026-02-02.

Conditions:
ROR1-related disorder. Also called: ROR1-related condition.

Allele frequency attached by ClinVar (database versions not stated): ExAC 0.00012; gnomAD 0.00002; TOPMed 0.00002.
gnomAD v4.1: 103 of 1,614,006 alleles (0.0064%); highest among the groups gnomAD compares: Middle Eastern, 0.066%; 1 homozygote.

Submissions (2):

PreventionGenetics, part of Exact Sciences
Classification: Uncertain significance for ROR1-related condition. Last evaluated: 2026-02-02. Review status: criteria provided, single submitter. Criteria: ACMG Guidelines, 2015. Collection method: clinical testing. Allele origin: germline.
Comment: The ROR1 c.1294C>G variant is predicted to result in the amino acid substitution p.Gln432Glu. To our knowledge, this variant has not been reported in the literature. This variant is reported in 0.036% of alleles in individuals of South Asian descent in gnomAD. At this time, the clinical significance of this variant is uncertain due to the absence of conclusive functional and genetic evidence.

Ambry Genetics
Classification: Uncertain significance. Last evaluated: 2024-01-29. Review status: criteria provided, single submitter. Criteria: Ambry Variant Classification Scheme 2023. Collection method: clinical testing. Allele origin: germline.

NM_005012.4(ROR1):c.1294C>G (p.Gln432Glu)

Gene: ROR1 (ROR family WNT receptor 1; plus strand). Cytogenetic location: 1p31.3.
Variant type: single nucleotide variant.
Coding change: c.1294C>G on transcript NM_005012.4 (MANE Select); coding-DNA position 1294, C replaced by G.
Protein change: p.Gln432Glu; replaces glutamine 432 with glutamic acid.
Molecular consequence: missense variant.
Genome position (GRCh38, 1-based): chr1:64,159,100, C>G. VCF-style: chr1-64159100-C-G. GRCh37 (hg19) VCF-style: chr1-64624783-C-G.
Other names: c.1294C>G (NM_005012.3); short protein forms Q432E.
Identifiers: ClinVar variation 3155717 (VCV003155717.2), dbSNP rs775112425, ClinGen allele CA890248.